The following is an entry in ClinVar:

ClinVar aggregate classification (germline): Uncertain significance (1 of 4 stars; one submission).

Allele frequency attached by ClinVar (database versions not stated): gnomAD exomes below 0.00001.
gnomAD v4.1: 1 of 1,599,824 alleles (0.000063%); highest among the groups gnomAD compares: Admixed American, 0.0018%; no homozygotes.

Submission:

Labcorp Genetics (formerly Invitae), Labcorp
Classification: Uncertain significance. Last evaluated: 2022-04-12. Review status: criteria provided, single submitter. Criteria: Invitae Variant Classification Sherloc (09022015). Collection method: clinical testing. Allele origin: germline.
Comment: In summary, the available evidence is currently insufficient to determine the role of this variant in disease. Therefore, it has been classified as a Variant of Uncertain Significance. Algorithms developed to predict the effect of missense changes on protein structure and function are either unavailable or do not agree on the potential impact of this missense change (SIFT: "Deleterious"; PolyPhen-2: "Probably Damaging"; Align-GVGD: "Class C0"). This variant has not been reported in the literature in individuals affected with KCNV2-related conditions. The frequency data for this variant in the population databases is considered unreliable, as metrics indicate poor data quality at this position in the gnomAD database. This sequence change replaces threonine, which is neutral and polar, with alanine, which is neutral and non-polar, at codon 121 of the KCNV2 protein (p.Thr121Ala).

NM_133497.4(KCNV2):c.361A>G (p.Thr121Ala)

Gene: KCNV2 (potassium voltage-gated channel modifier subfamily V member 2; plus strand). Cytogenetic location: 9p24.2.
Variant type: single nucleotide variant.
Coding change: c.361A>G on transcript NM_133497.4 (MANE Select); coding-DNA position 361, A replaced by G.
Protein change: p.Thr121Ala; replaces threonine 121 with alanine.
Molecular consequence: missense variant.
Genome position (GRCh38, 1-based): chr9:2,718,100, A>G. VCF-style: chr9-2718100-A-G. GRCh37 (hg19) VCF-style: chr9-2718100-A-G.
Other names: short protein forms T121A.
Identifiers: ClinVar variation 2163311 (VCV002163311.4), dbSNP rs1267139735, ClinGen allele CA372796695.